The following is an entry in ClinVar:

ClinVar aggregate classification (germline): Pathogenic. Review status: criteria provided, multiple submitters, no conflicts (2 of 4 stars). 2 submissions from 2 submitters: Pathogenic (2). Last evaluated 2025-09-22.

Conditions:
Ataxia-telangiectasia syndrome (AT). Also called: Ataxia telangiectasia (A-T); LOUIS-BAR SYNDROME; Cerebello-oculocutaneous telangiectasia; Immunodeficiency with ataxia telangiectasia; Ataxia-telangiectasia, complementation group D; AT, COMPLEMENTATION GROUP C. Identifiers: Orphanet 100, MedGen C0004135, MONDO:0008840, OMIM 208900.
Hereditary cancer-predisposing syndrome. Also called: Neoplastic Syndromes, Hereditary; Tumor predisposition; Hereditary neoplastic syndrome; Hereditary Cancer Syndrome. Identifiers: Orphanet 140162, MedGen C0027672, MeSH D009386, MONDO:0015356.

Submissions (2):

Ambry Genetics
Classification: Pathogenic for Hereditary cancer-predisposing syndrome. Last evaluated: 2025-09-22. Review status: criteria provided, single submitter. Criteria: Ambry Variant Classification Scheme 2023. Collection method: clinical testing. Allele origin: germline.
Comment: The p.S305* pathogenic mutation (also known as c.914C>G), located in coding exon 7 of the ATM gene, results from a C to G substitution at nucleotide position 914. This changes the amino acid from a serine to a stop codon within coding exon 7. This variant is considered to be rare based on population cohorts in the Genome Aggregation Database (gnomAD). This alteration is expected to result in loss of function by premature protein truncation or nonsense-mediated mRNA decay. As such, this alteration is interpreted as a disease-causing mutation.

Labcorp Genetics (formerly Invitae), Labcorp
Classification: Pathogenic for Ataxia-telangiectasia syndrome. Last evaluated: 2022-12-29. Review status: criteria provided, single submitter. Criteria: Invitae Variant Classification Sherloc (09022015). Collection method: clinical testing. Allele origin: germline.
Comment: For these reasons, this variant has been classified as Pathogenic. ClinVar contains an entry for this variant (Variation ID: 1765961). This variant has not been reported in the literature in individuals affected with ATM-related conditions. This variant is not present in population databases (gnomAD no frequency). This sequence change creates a premature translational stop signal (p.Ser305*) in the ATM gene. It is expected to result in an absent or disrupted protein product. Loss-of-function variants in ATM are known to be pathogenic (PMID: 23807571, 25614872).

Literature cited by the submitters: PubMed 23807571 (cited by Labcorp Genetics (formerly Invitae), Labcorp); PubMed 25614872 (cited by Labcorp Genetics (formerly Invitae), Labcorp).

NM_000051.4(ATM):c.914C>G (p.Ser305Ter)

Gene: ATM (ATM serine/threonine kinase; plus strand). Cytogenetic location: 11q22.3.
Variant type: single nucleotide variant.
Coding change: c.914C>G on transcript NM_000051.4 (MANE Select); coding-DNA position 914, C replaced by G.
Protein change: p.Ser305Ter; replaces serine 305 with a stop codon.
Molecular consequence: nonsense.
Genome position (GRCh38, 1-based): chr11:108,246,976, C>G. VCF-style: chr11-108246976-C-G. GRCh37 (hg19) VCF-style: chr11-108117703-C-G.
Other names: c.914C>G, p.Ser305Ter (NM_001351834.2); short protein forms S305*.
Identifiers: ClinVar variation 1765961 (VCV001765961.6), dbSNP rs1591510485, ClinGen allele CA382530517.